The following is an entry in ClinVar:

NM_000059.4(BRCA2):c.1375_1376del (p.Leu459fs)

Gene: BRCA2 (BRCA2 DNA repair associated; plus strand). Cytogenetic location: 13q13.1.
Variant type: Deletion.
Coding change: c.1375_1376del on transcript NM_000059.4 (MANE Select); coding-DNA positions 1375 to 1376, 2 bases deleted (TT; older notation c.1375_1376delTT).
Protein change: p.Leu459fs; shifts the reading frame from leucine 459.
Molecular consequence: frameshift variant. On other transcripts: non-coding transcript variant (1), intron variant (1).
Genome position (GRCh38, 1-based): chr13:32,332,853-32,332,854, TT deleted. VCF-style (leftmost placement, unchanged base first): chr13-32332852-ATT-A. GRCh37 (hg19) VCF-style: chr13-32906989-ATT-A.
Other names: c.1375_1376del, p.Leu459fs (NM_001406719.1, NM_001406720.1, NM_001406721.1 and 1 more transcripts); c.424+1823_424+1824del (NM_001406722.1); short protein forms L459fs.
Identifiers: ClinVar variation 4824515 (VCV004824515.1).

ClinVar aggregate classification (germline): Pathogenic (1 of 4 stars; one submission).

Conditions:
Hereditary cancer-predisposing syndrome. Also called: Neoplastic Syndromes, Hereditary; Hereditary neoplastic syndrome; Tumor predisposition; Hereditary Cancer Syndrome. Identifiers: Orphanet 140162, MedGen C0027672, MeSH D009386, MONDO:0015356.

Submission:

Ambry Genetics
Classification: Pathogenic for Hereditary cancer-predisposing syndrome. Last evaluated: 2026-01-20. Review status: criteria provided, single submitter. Criteria: Ambry Variant Classification Scheme 2023. Collection method: clinical testing. Allele origin: germline.
Comment: The c.1375_1376delTT pathogenic mutation, located in coding exon 9 of the BRCA2 gene, results from a deletion of two nucleotides at nucleotide positions 1375 to 1376, causing a translational frameshift with a predicted alternate stop codon (p.L459Kfs*2). This variant is considered to be rare based on population cohorts in the Genome Aggregation Database (gnomAD). This variant is expected to result in loss of function by premature protein truncation or nonsense-mediated mRNA decay. As such, this variant is interpreted as a disease-causing mutation.